The following is an entry in ClinVar:

ClinVar aggregate classification (germline): Uncertain significance (1 of 4 stars; one submission).

gnomAD v4.1: 1 of 1,614,176 alleles (0.000062%); highest among the groups gnomAD compares: South Asian, 0.0011%; no homozygotes.

Submission:

Labcorp Genetics (formerly Invitae), Labcorp
Classification: Uncertain significance. Last evaluated: 2025-12-08. Review status: criteria provided, single submitter. Criteria: Invitae Variant Classification Sherloc (09022015). Collection method: clinical testing. Allele origin: germline.
Comment: This sequence change replaces glycine, which is neutral and non-polar, with arginine, which is basic and polar, at codon 1231 of the RP1 protein (p.Gly1231Arg). This variant is present in population databases (rs781423072, gnomAD 0.003%). This variant has not been reported in the literature in individuals affected with RP1-related conditions. An algorithm developed to predict the effect of missense changes on protein structure and function outputs the following: PolyPhen-2: "Benign". The arginine amino acid residue is found in multiple mammalian species, which suggests that this missense change does not adversely affect protein function. In summary, the available evidence is currently insufficient to determine the role of this variant in disease. Therefore, it has been classified as a Variant of Uncertain Significance.

NM_006269.2(RP1):c.3691G>A (p.Gly1231Arg)

Gene: RP1 (RP1 axonemal microtubule associated; plus strand). Cytogenetic location: 8q12.1.
Variant type: single nucleotide variant.
Coding change: c.3691G>A on transcript NM_006269.2 (MANE Select); coding-DNA position 3691, G replaced by A.
Protein change: p.Gly1231Arg; replaces glycine 1231 with arginine.
Molecular consequence: missense variant. On other transcripts: intron variant (1).
Genome position (GRCh38, 1-based): chr8:54,627,573, G>A. VCF-style: chr8-54627573-G-A. GRCh37 (hg19) VCF-style: chr8-55540133-G-A.
Other names: c.787+5285G>A (NM_001375654.1); short protein forms G1231R.
Identifiers: ClinVar variation 4772487 (VCV004772487.1).